The following is an entry in ClinVar:

NM_000540.3(RYR1):c.1122+5G>A

Gene: RYR1 (ryanodine receptor 1; plus strand). Cytogenetic location: 19q13.2.
Variant type: single nucleotide variant.
Coding change: c.1122+5G>A on transcript NM_000540.3 (MANE Select); 5 bases into the intron after coding-DNA position 1122, G replaced by A.
Molecular consequence: intron variant.
Genome position (GRCh38, 1-based): chr19:38,448,818, G>A. VCF-style: chr19-38448818-G-A. GRCh37 (hg19) VCF-style: chr19-38939458-G-A.
Other names: c.1122+5G>A (NM_001042723.2).
Identifiers: ClinVar variation 840271 (VCV000840271.7), dbSNP rs1966928423, ClinGen allele CA916082457.
Genomic context (GRCh38, chr19:38,448,818, plus strand): 5'-TCACCTATGCTGCTCCAGACCCCAAGGCCCTGCGGCTCGGCGTGCTCAAGAAGAAGGTGG[G>A]TGTAATCCCAGCTACTCAGGAGGCTGAGGTGGGAGAATCGCTTGAGTCCAGGAGGTCAAG-3'

ClinVar aggregate classification (germline): Uncertain significance (1 of 4 stars; one submission).

Conditions:
RYR1-related disorder. Also called: RYR1-related disorders; RYR1-related condition. Identifiers: MedGen CN239331.

Submission:

Labcorp Genetics (formerly Invitae), Labcorp
Classification: Uncertain significance for RYR1-related disorder. Last evaluated: 2025-07-06. Review status: criteria provided, single submitter. Criteria: Invitae Variant Classification Sherloc (09022015). Collection method: clinical testing. Allele origin: germline.
Comment: This sequence change falls in intron 11 of the RYR1 gene. It does not directly change the encoded amino acid sequence of the RYR1 protein. It affects a nucleotide within the consensus splice site. This variant is not present in population databases (gnomAD no frequency). This variant has not been reported in the literature in individuals affected with RYR1-related conditions. ClinVar contains an entry for this variant (Variation ID: 840271). Variants that disrupt the consensus splice site are a relatively common cause of aberrant splicing (PMID: 17576681, 9536098). Algorithms developed to predict the effect of sequence changes on RNA splicing suggest that this variant may disrupt the consensus splice site. In summary, the available evidence is currently insufficient to determine the role of this variant in disease. Therefore, it has been classified as a Variant of Uncertain Significance.

Literature cited by the submitters: PubMed 17576681; PubMed 9536098.